The following is an entry in ClinVar:

NM_003906.5(MCM3AP):c.1247A>G (p.Gln416Arg)

Gene: MCM3AP (minichromosome maintenance complex component 3 associated protein; minus strand). Cytogenetic location: 21q22.3.
Variant type: single nucleotide variant.
Coding change: c.1247A>G on transcript NM_003906.5 (MANE Select); coding-DNA position 1247, A replaced by G.
Protein change: p.Gln416Arg; replaces glutamine 416 with arginine.
Molecular consequence: missense variant.
Genome position (GRCh38, 1-based): chr21:46,283,811, T>C on the plus strand (A>G on the coding strand, the complement: MCM3AP is on the minus strand). VCF-style: chr21-46283811-T-C. GRCh37 (hg19) VCF-style: chr21-47703725-T-C.
Other names: short protein forms Q416R.
Identifiers: ClinVar variation 2049813 (VCV002049813.4), dbSNP rs780890149, ClinGen allele CA10077136.

ClinVar aggregate classification (germline): Uncertain significance (1 of 4 stars; one submission).

Allele frequency attached by ClinVar (database versions not stated): ExAC 0.00001.

Submission:

Labcorp Genetics (formerly Invitae), Labcorp
Classification: Uncertain significance. Last evaluated: 2022-01-18. Review status: criteria provided, single submitter. Criteria: Invitae Variant Classification Sherloc (09022015). Collection method: clinical testing. Allele origin: germline.
Comment: In summary, the available evidence is currently insufficient to determine the role of this variant in disease. Therefore, it has been classified as a Variant of Uncertain Significance. Algorithms developed to predict the effect of missense changes on protein structure and function output the following: SIFT: "Tolerated"; PolyPhen-2: "Benign"; Align-GVGD: "Class C0". The arginine amino acid residue is found in multiple mammalian species, which suggests that this missense change does not adversely affect protein function. This variant has not been reported in the literature in individuals affected with MCM3AP-related conditions. This variant is present in population databases (rs780890149, gnomAD 0.0009%). This sequence change replaces glutamine, which is neutral and polar, with arginine, which is basic and polar, at codon 416 of the MCM3AP protein (p.Gln416Arg).